The following is an entry in ClinVar:

ClinVar aggregate classification (germline): Conflicting classifications of pathogenicity. Review status: criteria provided, conflicting classifications (1 of 4 stars). 5 submissions from 5 submitters: Uncertain significance (1); Benign (1); Likely benign (2). 1 of the submissions does not count toward it. Last evaluated 2025-10-14.

Conditions:
RECQL4-related disorder. Also called: RECQL4-related disorders; RECQL4-related condition.
Inborn genetic diseases. Identifiers: MedGen C0950123, MeSH D030342.
Hereditary cancer-predisposing syndrome. Also called: Hereditary Cancer Syndrome; Tumor predisposition; Neoplastic Syndromes, Hereditary; Hereditary neoplastic syndrome. Identifiers: Orphanet 140162, MedGen C0027672, MeSH D009386, MONDO:0015356.
Baller-Gerold syndrome (BGS). Also called: CRANIOSYNOSTOSIS WITH RADIAL DEFECTS. Identifiers: Orphanet 1225, MedGen C0265308, MONDO:0009039, OMIM 218600.

Allele frequency attached by ClinVar (database versions not stated): gnomAD below 0.00001 and 0.00009; TOPMed 0.00002; ExAC 0.00049; 1000 Genomes Project 30x 0.00062; 1000 Genomes Project 0.00080.

Submissions (5):

Labcorp Genetics (formerly Invitae), Labcorp
Classification: Benign for Baller-Gerold syndrome. Last evaluated: 2025-10-14. Review status: criteria provided, single submitter. Criteria: Invitae Variant Classification Sherloc (09022015). Collection method: clinical testing. Allele origin: germline.

Ambry Genetics
Classification: Likely benign for Inborn genetic diseases. Last evaluated: 2024-10-15. Review status: criteria provided, single submitter. Criteria: Ambry Variant Classification Scheme 2023. Collection method: clinical testing. Allele origin: germline.

Sema4
Classification: Likely benign for Hereditary cancer-predisposing syndrome. Last evaluated: 2022-01-24. Review status: criteria provided, single submitter. Criteria: Sema4 Curation Guidelines. Collection method: curation. Allele origin: germline.

Genomic Diagnostic Laboratory, Division of Genomic Diagnostics, Children's Hospital of Philadelphia
Classification: Uncertain significance. Last evaluated: 2015-03-06. Review status: criteria provided, single submitter. Criteria: DGD Variant Analysis Guidelines. Collection method: clinical testing. Allele origin: unknown.

PreventionGenetics, part of Exact Sciences
Classification: Likely benign for RECQL4-related condition. Last evaluated: 2023-10-13. Review status: no assertion criteria provided. Collection method: clinical testing. Allele origin: germline. Not counted in ClinVar's aggregate classification.
Comment: This variant is classified as likely benign based on ACMG/AMP sequence variant interpretation guidelines (Richards et al. 2015 PMID: 25741868, with internal and published modifications).

NM_004260.4(RECQL4):c.1028C>T (p.Pro343Leu)

Gene: RECQL4 (RecQ like helicase 4; minus strand). Cytogenetic location: 8q24.3.
Variant type: single nucleotide variant.
Coding change: c.1028C>T on transcript NM_004260.4 (MANE Select); coding-DNA position 1028, C replaced by T.
Protein change: p.Pro343Leu; replaces proline 343 with leucine.
Molecular consequence: missense variant.
Genome position (GRCh38, 1-based): chr8:144,516,091, G>A on the plus strand (C>T on the coding strand, the complement: RECQL4 is on the minus strand). VCF-style: chr8-144516091-G-A. GRCh37 (hg19) VCF-style: chr8-145741475-G-A.
Other names: short protein forms P343L.
Identifiers: ClinVar variation 218625 (VCV000218625.15), dbSNP rs549381989, ClinGen allele CA248950.